The following is an entry in ClinVar:

ClinVar aggregate classification (germline): Pathogenic (1 of 4 stars; one submission).

Conditions:
Peroxisome biogenesis disorder 7A (Zellweger). Also called: Peroxisome biogenesis disorder 7A. Identifiers: Orphanet 912, MedGen C3888385, MONDO:0013938, OMIM 614872.
Peroxisome biogenesis disorder 7B (PBD7B). Identifiers: Orphanet 44, MedGen C3553951, MONDO:0013939, OMIM 614873.

Submission:

Labcorp Genetics (formerly Invitae), Labcorp
Classification: Pathogenic for Peroxisome biogenesis disorder 7A (Zellweger); Peroxisome biogenesis disorder 7B. Last evaluated: 2023-12-09. Review status: criteria provided, single submitter. Criteria: Invitae Variant Classification Sherloc (09022015). Collection method: clinical testing. Allele origin: germline.
Comment: This sequence change creates a premature translational stop signal (p.Lys115Serfs*66) in the PEX26 gene. It is expected to result in an absent or disrupted protein product. Loss-of-function variants in PEX26 are known to be pathogenic (PMID: 12851857, 21031596). This variant is not present in population databases (gnomAD no frequency). This variant has not been reported in the literature in individuals affected with PEX26-related conditions. For these reasons, this variant has been classified as Pathogenic.

Literature cited by the submitters: PubMed 12851857; PubMed 21031596.

NM_001127649.3(PEX26):c.344del (p.Lys115fs)

Gene: PEX26 (peroxisomal biogenesis factor 26; plus strand). Cytogenetic location: 22q11.21.
Variant type: Deletion.
Coding change: c.344del on transcript NM_001127649.3 (MANE Select); coding-DNA position 344, one base deleted (A; older notation c.344delA).
Protein change: p.Lys115fs; shifts the reading frame from lysine 115.
Molecular consequence: frameshift variant.
Genome position (GRCh38, 1-based): chr22:18,079,987, A deleted; the last of 4 consecutive A bases (chr22:18,079,984-18,079,987); deleting any one gives the same sequence. VCF-style (leftmost placement, unchanged base first): chr22-18079983-GA-G. GRCh37 (hg19) VCF-style: chr22-18562749-GA-G.
Other names: c.344del, p.Lys115fs (NM_001199319.2, NM_017929.6); short protein forms K115fs.
Identifiers: ClinVar variation 2954498 (VCV002954498.3), dbSNP rs2517666229, ClinGen allele CA2740094768.